The following is an entry in ClinVar:

ClinVar aggregate classification (germline): Uncertain significance (1 of 4 stars; one submission).

Conditions:
Inborn genetic diseases. Identifiers: MedGen C0950123, MeSH D030342.

Submission:

Ambry Genetics
Classification: Uncertain significance for Inborn genetic diseases. Last evaluated: 2025-10-23. Review status: criteria provided, single submitter. Criteria: Ambry Variant Classification Scheme 2023. Collection method: clinical testing. Allele origin: germline.
Comment: The p.P276H variant (also known as c.827C>A), located in coding exon 5 of the ETV6 gene, results from a C to A substitution at nucleotide position 827. The proline at codon 276 is replaced by histidine, an amino acid with similar properties. This amino acid position is highly conserved in available vertebrate species. In addition, the in silico prediction for this alteration is inconclusive. Based on the available evidence, the clinical significance of this variant remains unclear.

NM_001987.5(ETV6):c.827C>A (p.Pro276His)

Gene: ETV6 (ETS variant transcription factor 6; plus strand). Cytogenetic location: 12p13.2.
Variant type: single nucleotide variant.
Coding change: c.827C>A on transcript NM_001987.5 (MANE Select); coding-DNA position 827, C replaced by A.
Protein change: p.Pro276His; replaces proline 276 with histidine.
Molecular consequence: missense variant.
Genome position (GRCh38, 1-based): chr12:11,869,787, C>A. VCF-style: chr12-11869787-C-A. GRCh37 (hg19) VCF-style: chr12-12022721-C-A.
Other names: c.824C>A, p.Pro275His (NM_001413913.1); c.800C>A, p.Pro267His (NM_001413914.1); c.563C>A, p.Pro188His (NM_001413915.1); c.827C>A, p.Pro276His (NM_001413916.1, NM_001413917.1); short protein forms P275H, P276H, P188H, P267H.
Identifiers: ClinVar variation 4618851 (VCV004618851.1).